The following is an entry in ClinVar:

ClinVar aggregate classification (germline): Benign. Review status: criteria provided, multiple submitters, no conflicts (2 of 4 stars). 5 submissions from 5 submitters: Benign (5). Last evaluated 2026-01-19.

Conditions:
Ehlers-Danlos syndrome (EDS). Identifiers: Orphanet 98249, MedGen C0013720, MONDO:0020066.
Familial thoracic aortic aneurysm and aortic dissection (TAAD). Also called: Thoracic aortic aneurysms and dissections. Identifiers: Orphanet 91387, MedGen C4707243, MONDO:0019625.

Allele frequency attached by ClinVar (database versions not stated): 1000 Genomes Project 30x 0.11665; 1000 Genomes Project 0.11741; TOPMed 0.16577; gnomAD 0.16842 and 0.17222; gnomAD exomes 0.18274.
gnomAD v4.1: 289,334 of 1,597,340 alleles (18%); highest among the groups gnomAD compares: Non-Finnish European, 20%; 27,686 homozygotes.

Submissions (5):

Labcorp Genetics (formerly Invitae), Labcorp
Classification: Benign for Familial thoracic aortic aneurysm and aortic dissection. Last evaluated: 2026-01-19. Review status: criteria provided, single submitter. Criteria: Invitae Variant Classification Sherloc (09022015). Collection method: clinical testing. Allele origin: germline.

Unidad de Genómica Garrahan, Hospital de Pediatría Garrahan
Classification: Benign. Last evaluated: 2024-01-24. Review status: criteria provided, single submitter. Criteria: ACMG Guidelines, 2015. Collection method: clinical testing. Allele origin: germline. Affected: no. Observed: 19 variant alleles.
Comment: This variant is classified as Benign based on local population frequency. This variant was detected in 22% of patients studied by a panel of primary immunodeficiencies. Number of patients: 19. Only high quality variants are reported.

Genome Diagnostics Laboratory, The Hospital for Sick Children
Classification: Benign for Ehlers-Danlos syndrome. Last evaluated: 2022-07-16. Review status: criteria provided, single submitter. Criteria: ACMG Guidelines, 2015. Collection method: clinical testing. Allele origin: germline.

GeneDx
Classification: Benign. Last evaluated: 2018-06-26. Review status: criteria provided, single submitter. Criteria: GeneDx Variant Classification Process June 2021. Collection method: clinical testing. Allele origin: germline. Affected: yes.
Comment: This variant is associated with the following publications: (PMID: 19004027, 27234654, 25502482)

Breakthrough Genomics
Classification: Benign. Review status: criteria provided, single submitter. Criteria: ACMG Guidelines, 2015. Collection method: not provided. Allele origin: germline. Inheritance: Autosomal dominant inheritance. Affected: yes.

NM_004612.4(TGFBR1):c.*69A>G

Gene: TGFBR1 (transforming growth factor beta receptor 1; plus strand). Cytogenetic location: 9q22.33.
Variant type: single nucleotide variant.
Coding change: c.*69A>G on transcript NM_004612.4 (MANE Select); 69 bases downstream of the stop codon, A replaced by G.
Molecular consequence: 3 prime UTR variant.
Genome position (GRCh38, 1-based): chr9:99,149,374, A>G. VCF-style: chr9-99149374-A-G. GRCh37 (hg19) VCF-style: chr9-101911656-A-G.
Other names: c.*69A>G (NM_001130916.3, NM_001306210.2).
Identifiers: ClinVar variation 364103 (VCV000364103.22), dbSNP rs868, ClinGen allele CA10627798.